The following is an entry in ClinVar:

NM_001164665.2(KIAA1549):c.5841C>G (p.Asn1947Lys)

Gene: KIAA1549 (KIAA1549; minus strand). Cytogenetic location: 7q34.
Variant type: single nucleotide variant.
Coding change: c.5841C>G on transcript NM_001164665.2 (MANE Select); coding-DNA position 5841, C replaced by G.
Protein change: p.Asn1947Lys; replaces asparagine 1947 with lysine.
Molecular consequence: missense variant.
Genome position (GRCh38, 1-based): chr7:138,837,918, G>C on the plus strand (C>G on the coding strand, the complement: KIAA1549 is on the minus strand). VCF-style: chr7-138837918-G-C. GRCh37 (hg19) VCF-style: chr7-138522663-G-C.
Other names: c.5793C>G, p.Asn1931Lys (NM_020910.3); short protein forms N1947K, N1931K.
Identifiers: ClinVar variation 2128678 (VCV002128678.4), dbSNP rs773933178, ClinGen allele CA4505455.

ClinVar aggregate classification (germline): Uncertain significance (1 of 4 stars; one submission).

Allele frequency attached by ClinVar (database versions not stated): gnomAD exomes below 0.00001; ExAC 0.00001.
gnomAD v4.1: 2 of 1,613,778 alleles (0.00012%); highest among the groups gnomAD compares: Admixed American, 0.0017%; no homozygotes.

Submission:

Labcorp Genetics (formerly Invitae), Labcorp
Classification: Uncertain significance. Last evaluated: 2022-04-21. Review status: criteria provided, single submitter. Criteria: Invitae Variant Classification Sherloc (09022015). Collection method: clinical testing. Allele origin: germline.
Comment: This sequence change replaces asparagine, which is neutral and polar, with lysine, which is basic and polar, at codon 1947 of the KIAA1549 protein (p.Asn1947Lys). This variant is present in population databases (rs773933178, gnomAD 0.0009%). This variant has not been reported in the literature in individuals affected with KIAA1549-related conditions. Algorithms developed to predict the effect of missense changes on protein structure and function are either unavailable or do not agree on the potential impact of this missense change (SIFT: "Deleterious"; PolyPhen-2: "Benign"; Align-GVGD: "Class C0"). In summary, the available evidence is currently insufficient to determine the role of this variant in disease. Therefore, it has been classified as a Variant of Uncertain Significance.